The following is an entry in ClinVar:

ClinVar aggregate classification (germline): Uncertain significance (1 of 4 stars; one submission).

Conditions:
Fanconi anemia complementation group J. Also called: BRIP1-Related Fanconi Anemia. Identifiers: Orphanet 84, MedGen C1836860, MONDO:0012187, OMIM 609054.
Familial cancer of breast. Also called: BREAST CANCER, FAMILIAL; Hereditary breast cancer; hereditary breast carcinoma. Identifiers: Orphanet 227535, MedGen C0346153, MONDO:0016419, OMIM 114480. Disease mechanism: loss of function.

Allele frequency attached by ClinVar (database versions not stated): gnomAD exomes below 0.00001.
gnomAD v4.1: 2 of 1,614,150 alleles (0.00012%); highest among the groups gnomAD compares: Non-Finnish European, 0.00017%; no homozygotes.

Submission:

Labcorp Genetics (formerly Invitae), Labcorp
Classification: Uncertain significance for Familial cancer of breast; Fanconi anemia complementation group J. Last evaluated: 2023-02-14. Review status: criteria provided, single submitter. Criteria: Invitae Variant Classification Sherloc (09022015). Collection method: clinical testing. Allele origin: germline.
Comment: This sequence change replaces histidine, which is basic and polar, with proline, which is neutral and non-polar, at codon 91 of the BRIP1 protein (p.His91Pro). This variant is not present in population databases (gnomAD no frequency). This variant has not been reported in the literature in individuals affected with BRIP1-related conditions. Advanced modeling of protein sequence and biophysical properties (such as structural, functional, and spatial information, amino acid conservation, physicochemical variation, residue mobility, and thermodynamic stability) has been performed at Invitae for this missense variant, however the output from this modeling did not meet the statistical confidence thresholds required to predict the impact of this variant on BRIP1 protein function. In summary, the available evidence is currently insufficient to determine the role of this variant in disease. Therefore, it has been classified as a Variant of Uncertain Significance.

NM_032043.3(BRIP1):c.272A>C (p.His91Pro)

Gene: BRIP1 (BRCA1 interacting DNA helicase 1; minus strand). Cytogenetic location: 17q23.2.
Variant type: single nucleotide variant.
Coding change: c.272A>C on transcript NM_032043.3 (MANE Select); coding-DNA position 272, A replaced by C.
Protein change: p.His91Pro; replaces histidine 91 with proline.
Molecular consequence: missense variant.
Genome position (GRCh38, 1-based): chr17:61,857,165, T>G on the plus strand (A>C on the coding strand, the complement: BRIP1 is on the minus strand). VCF-style: chr17-61857165-T-G. GRCh37 (hg19) VCF-style: chr17-59934526-T-G.
Other names: short protein forms H91P.
Identifiers: ClinVar variation 2944295 (VCV002944295.3), dbSNP rs2145829406, ClinGen allele CA400485484.